The following is an entry in ClinVar:

ClinVar aggregate classification (germline): Pathogenic. Review status: criteria provided, single submitter (1 of 4 stars). 2 submissions from 2 submitters: Pathogenic (1). 1 of the submissions does not count toward it. Last evaluated 2022-10-12.

Conditions:
Hypertrophic cardiomyopathy 26. Also called: Cardiomyopathy, familial hypertrophic, 26. Identifiers: Orphanet 75249, MedGen C4310749, MONDO:0014883, OMIM 617047.
Distal myopathy with posterior leg and anterior hand involvement. Also called: WILLIAMS DISTAL MYOPATHY. Identifiers: Orphanet 63273, MedGen C3279722, MONDO:0013550, OMIM 614065.
Myofibrillar myopathy 5. Also called: Filaminopathy (type); FILAMINOPATHY, AUTOSOMAL DOMINANT. Identifiers: Orphanet 171445, MedGen C1836050, MONDO:0012289, OMIM 609524.

Submissions (2):

Labcorp Genetics (formerly Invitae), Labcorp
Classification: Pathogenic for Distal myopathy with posterior leg and anterior hand involvement; Myofibrillar myopathy 5; Hypertrophic cardiomyopathy 26. Last evaluated: 2022-10-12. Review status: criteria provided, single submitter. Criteria: Invitae Variant Classification Sherloc (09022015). Collection method: clinical testing. Allele origin: germline.
Comment: For these reasons, this variant has been classified as Pathogenic. Studies have shown that disruption of this splice site results in skipping of exon 43 and introduces a premature termination codon (PMID: 28008423). The resulting mRNA is expected to undergo nonsense-mediated decay. ClinVar contains an entry for this variant (Variation ID: 539340). Disruption of this splice site has been observed in individuals with dilated cardiomyopathy (PMID: 27908349, 28008423). It has also been observed to segregate with disease in related individuals. This variant is not present in population databases (gnomAD no frequency). This sequence change affects a donor splice site in intron 43 of the FLNC gene. RNA analysis indicates that disruption of this splice site induces altered splicing and may result in an absent or disrupted protein product.

OMIM
Classification: Pathogenic for CARDIOMYOPATHY, FAMILIAL DILATED, 1PP. Last evaluated: 2023-06-16. Review status: no assertion criteria provided. Collection method: literature only. Allele origin: germline. Not counted in ClinVar's aggregate classification.

Literature cited by the submitters: PubMed 28008423 (cited by Labcorp Genetics (formerly Invitae), Labcorp and OMIM); PubMed 27908349 (cited by Labcorp Genetics (formerly Invitae), Labcorp).

NM_001458.5(FLNC):c.7251+1G>A

Genes: FLNC-AS1 (FLNC antisense RNA 1; minus strand), FLNC (filamin C; plus strand). Cytogenetic location: 7q32.1.
Variant type: single nucleotide variant.
Coding change: c.7251+1G>A on transcript NM_001458.5 (MANE Select); the canonical splice donor site of the intron after coding-DNA position 7251, G replaced by A.
Molecular consequence: splice donor variant.
Genome position (GRCh38, 1-based): chr7:128,855,315, G>A. VCF-style: chr7-128855315-G-A. GRCh37 (hg19) VCF-style: chr7-128495369-G-A.
Other names: IVS43, G-A, +1; c.7152+1G>A (NM_001127487.2).
Identifiers: ClinVar variation 539340 (VCV000539340.10), dbSNP rs1554401581, ClinGen allele CA369216134.